The following is an entry in ClinVar:

NM_001184.4(ATR):c.6877A>G (p.Ile2293Val)

Gene: ATR (ATR checkpoint kinase; minus strand). Cytogenetic location: 3q23.
Variant type: single nucleotide variant.
Coding change: c.6877A>G on transcript NM_001184.4 (MANE Select); coding-DNA position 6877, A replaced by G.
Protein change: p.Ile2293Val; replaces isoleucine 2293 with valine.
Molecular consequence: missense variant.
Genome position (GRCh38, 1-based): chr3:142,466,344, T>C on the plus strand (A>G on the coding strand, the complement: ATR is on the minus strand). VCF-style: chr3-142466344-T-C. GRCh37 (hg19) VCF-style: chr3-142185186-T-C.
Other names: c.6685A>G, p.Ile2229Val (NM_001354579.2); short protein forms I2229V, I2293V.
Identifiers: ClinVar variation 1008084 (VCV001008084.11), dbSNP rs758772379, ClinGen allele CA2649258.
Genomic context (GRCh38, chr3:142,466,344, plus strand): 5'-CTAAATTTTAAAATCATAGTCATATAAAACTGAAGTTTACCATATCATCAAACCCTGCAA[T>C]ATAGGCCCAATGTCCAGGAAATGGTTCATGGCTAGCATGGTTAGCATGGGTACCCAGAAT-3'
Protein context (NP_001175.2, residues 2283-2303): HEPFPGHWAY[Ile2293Val]AGFDDMVEIL

ClinVar aggregate classification (germline): Uncertain significance. Review status: criteria provided, multiple submitters, no conflicts (2 of 4 stars). 4 submissions from 3 submitters: Uncertain significance (4). Last evaluated 2024-07-09.

Conditions:
Familial cutaneous telangiectasia and oropharyngeal predisposition cancer syndrome. Identifiers: Orphanet 313846, MedGen C3281203, MONDO:0013806, OMIM 614564.
Seckel syndrome 1 (SCKL1). Also called: MICROCEPHALIC PRIMORDIAL DWARFISM I. Identifiers: Orphanet 808, MedGen C4551474, MONDO:0008869, OMIM 210600.
Inborn genetic diseases. Identifiers: MedGen C0950123, MeSH D030342.

Allele frequency attached by ClinVar (database versions not stated): gnomAD exomes 0.00001 and 0.00003; ExAC 0.00002.
gnomAD v4.1: 9 of 1,613,816 alleles (0.00056%); highest among the groups gnomAD compares: Admixed American, 0.012%; no homozygotes.

Submissions (4):

Ambry Genetics
Classification: Uncertain significance for Inborn genetic diseases. Last evaluated: 2024-07-09. Review status: criteria provided, single submitter. Criteria: Ambry Variant Classification Scheme 2023. Collection method: clinical testing. Allele origin: germline.
Comment: The p.I2293V variant (also known as c.6877A>G), located in coding exon 40 of the ATR gene, results from an A to G substitution at nucleotide position 6877. The isoleucine at codon 2293 is replaced by valine, an amino acid with highly similar properties. This amino acid position is conserved. In addition, the in silico prediction for this alteration is inconclusive. Since supporting evidence is limited at this time, the clinical significance of this alteration remains unclear.

Genome-Nilou Lab
Classification: Uncertain significance for Seckel syndrome 1. Last evaluated: 2023-02-08. Review status: criteria provided, single submitter. Criteria: ACMG Guidelines, 2015. Collection method: clinical testing. Allele origin: germline.

Genome-Nilou Lab
Classification: Uncertain significance for Familial cutaneous telangiectasia and oropharyngeal predisposition cancer syndrome. Last evaluated: 2023-02-08. Review status: criteria provided, single submitter. Criteria: ACMG Guidelines, 2015. Collection method: clinical testing. Allele origin: germline.

Labcorp Genetics (formerly Invitae), Labcorp
Classification: Uncertain significance. Last evaluated: 2022-09-07. Review status: criteria provided, single submitter. Criteria: Invitae Variant Classification Sherloc (09022015). Collection method: clinical testing. Allele origin: germline.
Comment: In summary, the available evidence is currently insufficient to determine the role of this variant in disease. Therefore, it has been classified as a Variant of Uncertain Significance. Algorithms developed to predict the effect of missense changes on protein structure and function (SIFT, PolyPhen-2, Align-GVGD) all suggest that this variant is likely to be tolerated. ClinVar contains an entry for this variant (Variation ID: 1008084). This variant has not been reported in the literature in individuals affected with ATR-related conditions. This variant is present in population databases (rs758772379, gnomAD 0.02%). This sequence change replaces isoleucine, which is neutral and non-polar, with valine, which is neutral and non-polar, at codon 2293 of the ATR protein (p.Ile2293Val).